The following is an entry in ClinVar:

NM_007294.4(BRCA1):c.442-2A>G

Gene: BRCA1 (BRCA1 DNA repair associated; minus strand). Cytogenetic location: 17q21.31.
Variant type: single nucleotide variant.
Coding change: c.442-2A>G on transcript NM_007294.4 (MANE Select); the canonical splice acceptor site of the intron before coding-DNA position 442, A replaced by G.
Molecular consequence: splice acceptor variant. On other transcripts: intron variant (140).
Genome position (GRCh38, 1-based): chr17:43,099,882, T>C on the plus strand (A>G on the coding strand, the complement: BRCA1 is on the minus strand). VCF-style: chr17-43099882-T-C. GRCh37 (hg19) VCF-style: chr17-41251899-T-C.
Other names: c.442-2A>G (NM_007294.3, NM_001408442.1, NM_001408426.1 and 97 more transcripts); c.232-2A>G (NM_001408483.1, NM_001408484.1, NM_001408478.1 and 37 more transcripts); c.442-5A>G (NM_001407634.1, NM_001407610.1, NM_001408450.1 and 65 more transcripts); c.232-5A>G (NM_001407917.1, NM_001407956.1, NM_001407897.1 and 18 more transcripts); c.301-5A>G (NM_001408462.1, NM_001407838.1, NM_001407741.1 and 35 more transcripts); c.364-2A>G (NM_001408414.1, NM_001408411.1, NM_001407655.1 and 12 more transcripts); c.301-2A>G (NM_001407724.1, NM_001407697.1, NM_001408410.1 and 61 more transcripts); c.-218-5022A>G (NM_001407967.1, NM_001407966.1); and 5 more.
Identifiers: ClinVar variation 1026850 (VCV001026850.15), dbSNP rs80358155, ClinGen allele CA10601262.
Genomic context (GRCh38, chr17:43,099,882, plus strand): 5'-GTCCTCAGAGTTCTCACAGTTCCAAGGTTAGAGAGTTGGACACTGAGACTGGTTTCCTGC[T>C]AAACAGTATGGTAAAGAACAGTCAAGCAATTGTTGGCCAGTTCTGTGCTTTTCCTCCTGA-3'

ClinVar aggregate classification (germline): Uncertain significance. Review status: criteria provided, multiple submitters, no conflicts (2 of 4 stars). 5 submissions from 5 submitters: Uncertain significance (5). Last evaluated 2025-09-27.

Conditions:
Breast-ovarian cancer, familial, susceptibility to, 1 (BROVCA1). Also called: BRCA1 Hereditary Breast and Ovarian Cancer; OVARIAN CANCER, SUSCEPTIBILITY TO. Identifiers: Orphanet 145, MedGen C2676676, MONDO:0011450, OMIM 604370. Disease mechanism: loss of function.
Familial cancer of breast. Also called: BREAST CANCER, FAMILIAL; Hereditary breast cancer; hereditary breast carcinoma. Identifiers: Orphanet 227535, MedGen C0346153, MONDO:0016419, OMIM 114480. Disease mechanism: loss of function.
Pancreatic cancer, susceptibility to, 4. Identifiers: Orphanet 1333, MedGen C3280442, MONDO:0013685, OMIM 614320.
Fanconi anemia, complementation group S (FANCS). Identifiers: MedGen C4554406, MONDO:0054748, OMIM 617883.
Hereditary breast ovarian cancer syndrome. Also called: Hereditary breast and ovarian cancer syndrome; Hereditary breast and ovarian cancer syndrome (HBOC); Breast and ovarian cancer; Hereditary breast and ovarian cancer; Hereditary breast and/or ovarian cancer syndrome; BRCA1- and BRCA2-Associated Hereditary Breast and Ovarian Cancer. Identifiers: Orphanet 145, MedGen C0677776, MeSH D061325, MONDO:0003582. Disease mechanism: loss of function.
Hereditary cancer-predisposing syndrome. Also called: Tumor predisposition; Hereditary Cancer Syndrome; Hereditary neoplastic syndrome; Neoplastic Syndromes, Hereditary. Identifiers: Orphanet 140162, MedGen C0027672, MeSH D009386, MONDO:0015356.

Allele frequency attached by ClinVar (database versions not stated): TOPMed below 0.00001.

Submissions (5):

Labcorp Genetics (formerly Invitae), Labcorp
Classification: Uncertain significance for Hereditary breast ovarian cancer syndrome. Last evaluated: 2025-09-27. Review status: criteria provided, single submitter. Criteria: Invitae Variant Classification Sherloc (09022015). Collection method: clinical testing. Allele origin: germline.
Comment: This sequence change affects an acceptor splice site in intron 6 of the BRCA1 gene. RNA analysis indicates that disruption of this splice site induces altered splicing and likely results in the loss of 1 amino acid residue(s), but is expected to preserve the integrity of the reading-frame. This variant is not present in population databases (gnomAD no frequency). Disruption of this splice site has been observed in individual(s) with breast and/or ovarian cancer (PMID: 29907814). ClinVar contains an entry for this variant (Variation ID: 1026850). Studies have shown that disruption of this splice site results in the activation of a cryptic splice site in exon 7 (also known as exon 8 in the literature) (PMID: 24569164; internal data). In summary, the available evidence is currently insufficient to determine the role of this variant in disease. Therefore, it has been classified as a Variant of Uncertain Significance.

Women's Health and Genetics/Laboratory Corporation of America, LabCorp
Classification: Uncertain significance. Last evaluated: 2024-05-06. Review status: criteria provided, single submitter. Criteria: LabCorp Variant Classification Summary - May 2015. Collection method: clinical testing. Allele origin: germline.
Comment: Variant summary: BRCA1 c.442-2A>G is located in a canonical splice-site and is predicted to affect mRNA splicing. Several computational tools predict a significant impact on normal splicing: Two predict the variant abolishes a 3' acceptor site. Three predict the variant strengthens a cryptic 3' acceptor site. One predict the variant creates a 3' acceptor site. However, these predictions have yet to be confirmed by functional studies. A study shows that disruption of this splice site results in activation of a cryptic splice site three bp downstream (PMID 24569164). The variant was absent in 251404 control chromosomes. The available data on variant occurrences in the general population are insufficient to allow any conclusion about variant significance. c.442-2A>G has been reported in the literature in individuals affected with Hereditary Breast And Ovarian Cancer Syndrome. These report(s) do not provide unequivocal conclusions about association of the variant with Hereditary Breast And Ovarian Cancer Syndrome. To our knowledge, no experimental evidence demonstrating an impact on protein function has been reported. The following publication have been ascertained in the context of this evaluation (PMID: 29907814, 24569164). ClinVar contains an entry for this variant (Variation ID: 1026850). Based on the evidence outlined above, the variant was classified as uncertain significance.

Ambry Genetics
Classification: Uncertain significance for Hereditary cancer-predisposing syndrome. Last evaluated: 2024-02-28. Review status: criteria provided, single submitter. Criteria: Ambry Variant Classification Scheme 2023. Collection method: clinical testing. Allele origin: germline.
Comment: The c.442-2A>G intronic variant results from an A to G substitution two nucleotides upstream from coding exon 6 in the BRCA1 gene. This nucleotide position is well conserved in available vertebrate species. In silico splice site analysis predicts that this alteration will weaken the native splice acceptor site. RNA studies have demonstrated that this alteration results in a transcript predicted to lead to a protein with an in-frame deletion of one amino acid; however, the exact functional impact of the deleted amino acid is unknown at this time (Ambry internal data). This single amino acid loss is a naturally occurring isoform and may be referred to as &Delta;8p in some literature (Colombo M et al. Hum Mol Genet. 2014; 23:3666-80). Based on the available evidence, the clinical significance of this alteration remains unclear.

Baylor Genetics
Classification: Uncertain significance for Breast-ovarian cancer, familial, susceptibility to, 1. Last evaluated: 2024-01-20. Review status: criteria provided, single submitter. Criteria: ACMG Guidelines, 2015. Collection method: clinical testing. Allele origin: unknown.

Fulgent Genetics
Classification: Uncertain significance for Familial cancer of breast; Breast-ovarian cancer, familial, susceptibility to, 1; Pancreatic cancer, susceptibility to, 4; Fanconi anemia, complementation group S. Last evaluated: 2022-02-07. Review status: criteria provided, single submitter. Criteria: ACMG Guidelines, 2015. Collection method: clinical testing. Allele origin: unknown.

Literature cited by the submitters: PubMed 29907814 (cited by Labcorp Genetics (formerly Invitae), Labcorp and Women's Health and Genetics/Laboratory Corporation of America, LabCorp); PubMed 24569164 (cited by Labcorp Genetics (formerly Invitae), Labcorp).